The following is an entry in ClinVar:

NM_000701.8(ATP1A1):c.1723G>C (p.Asp575His)

Genes: ATP1A1 (ATPase Na+/K+ transporting subunit alpha 1; plus strand), ATP1A1-AS1 (ATP1A1 antisense RNA 1; minus strand). Cytogenetic location: 1p13.1.
Variant type: single nucleotide variant.
Coding change: c.1723G>C on transcript NM_000701.8 (MANE Select); coding-DNA position 1723, G replaced by C.
Protein change: p.Asp575His; replaces aspartic acid 575 with histidine.
Molecular consequence: missense variant.
Genome position (GRCh38, 1-based): chr1:116,395,172, G>C. VCF-style: chr1-116395172-G-C. GRCh37 (hg19) VCF-style: chr1-116937794-G-C.
Other names: c.1723G>C, p.Asp575His (NM_001160233.2); c.1630G>C, p.Asp544His (NM_001160234.2); short protein forms D544H, D575H.
Identifiers: ClinVar variation 1331152 (VCV001331152.5), dbSNP rs757809799, ClinGen allele CA341771470.

ClinVar aggregate classification (germline): Uncertain significance. Review status: criteria provided, multiple submitters, no conflicts (2 of 4 stars). 2 submissions from 2 submitters: Uncertain significance (2). Last evaluated 2023-05-22.

gnomAD v4.1: 1 of 1,614,074 alleles (0.000062%); highest among the groups gnomAD compares: Non-Finnish European, 0.000085%; no homozygotes.

Submissions (2):

Labcorp Genetics (formerly Invitae), Labcorp
Classification: Uncertain significance. Last evaluated: 2023-05-22. Review status: criteria provided, single submitter. Criteria: Invitae Variant Classification Sherloc (09022015). Collection method: clinical testing. Allele origin: germline.
Comment: In summary, the available evidence is currently insufficient to determine the role of this variant in disease. Therefore, it has been classified as a Variant of Uncertain Significance. Advanced modeling of protein sequence and biophysical properties (such as structural, functional, and spatial information, amino acid conservation, physicochemical variation, residue mobility, and thermodynamic stability) performed at Invitae indicates that this missense variant is not expected to disrupt ATP1A1 protein function. ClinVar contains an entry for this variant (Variation ID: 1331152). This variant has not been reported in the literature in individuals affected with ATP1A1-related conditions. This variant is not present in population databases (gnomAD no frequency). This sequence change replaces aspartic acid, which is acidic and polar, with histidine, which is basic and polar, at codon 575 of the ATP1A1 protein (p.Asp575His).

GeneDx
Classification: Uncertain significance. Last evaluated: 2021-06-28. Review status: criteria provided, single submitter. Criteria: GeneDx Variant Classification Process June 2021. Collection method: clinical testing. Allele origin: germline. Affected: yes.
Comment: Not observed at significant frequency in large population cohorts (Lek et al., 2016); In silico analysis supports a deleterious effect on splicing; Has not been previously published as pathogenic or benign to our knowledge; This variant is associated with the following publications: (PMID: 27535533)